The following is an entry in ClinVar:

NM_001018005.2(TPM1):c.492+213G>A

Gene: TPM1 (tropomyosin 1; plus strand). Cytogenetic location: 15q22.2.
Variant type: single nucleotide variant.
Coding change: c.492+213G>A on transcript NM_001018005.2 (MANE Select); 213 bases into the intron after coding-DNA position 492, G replaced by A.
Molecular consequence: intron variant.
Genome position (GRCh38, 1-based): chr15:63,059,893, G>A. VCF-style: chr15-63059893-G-A. GRCh37 (hg19) VCF-style: chr15-63352092-G-A.
Other names: c.618+213G>A (NM_001365778.1); c.492+213G>A (NM_001018020.2, NM_001018007.2, NM_001018006.2 and 6 more transcripts); c.384+213G>A (NM_001330351.2, NM_001330344.2, NM_001018008.2 and 5 more transcripts).
Identifiers: ClinVar variation 671948 (VCV000671948.2), dbSNP rs3803501, ClinGen allele CA14103808.

ClinVar aggregate classification (germline): Benign. Review status: criteria provided, multiple submitters, no conflicts (2 of 4 stars). 2 submissions from 2 submitters: Benign (2). Last evaluated 2018-06-14.

Allele frequency attached by ClinVar (database versions not stated): 1000 Genomes Project 30x 0.48329; 1000 Genomes Project 0.48522; TOPMed 0.51458; gnomAD 0.52430 and 0.52628; gnomAD exomes 0.53999.
gnomAD v4.1: 219,250 of 410,112 alleles (53%); highest among the groups gnomAD compares: Non-Finnish European, 57%; 59,313 homozygotes.

Submissions (2):

GeneDx
Classification: Benign. Last evaluated: 2018-06-14. Review status: criteria provided, single submitter. Criteria: GeneDx Variant Classification (06012015). Collection method: clinical testing. Allele origin: germline. Affected: yes.
Comment: This variant is considered likely benign or benign based on one or more of the following criteria: it is a conservative change, it occurs at a poorly conserved position in the protein, it is predicted to be benign by multiple in silico algorithms, and/or has population frequency not consistent with disease.

Breakthrough Genomics
Classification: Benign. Review status: criteria provided, single submitter. Criteria: ACMG Guidelines, 2015. Collection method: not provided. Allele origin: germline. Inheritance: Autosomal dominant inheritance. Affected: yes.